The following is an entry in ClinVar:

ClinVar aggregate classification (germline): Uncertain significance (1 of 4 stars; one submission).

Submission:

GeneDx
Classification: Uncertain significance. Last evaluated: 2023-11-29. Review status: criteria provided, single submitter. Criteria: GeneDx Variant Classification Process June 2021. Collection method: clinical testing. Allele origin: germline. Affected: yes.
Comment: Not observed at significant frequency in large population cohorts (gnomAD); In silico analysis supports that this missense variant has a deleterious effect on protein structure/function; Has not been previously published as pathogenic or benign to our knowledge

NM_014915.3(ANKRD26):c.4904C>T (p.Thr1635Ile)

Gene: ANKRD26 (ankyrin repeat domain containing 26; minus strand). Cytogenetic location: 10p12.1.
Variant type: single nucleotide variant.
Coding change: c.4904C>T on transcript NM_014915.3 (MANE Select); coding-DNA position 4904, C replaced by T.
Protein change: p.Thr1635Ile; replaces threonine 1635 with isoleucine.
Molecular consequence: missense variant.
Genome position (GRCh38, 1-based): chr10:27,012,931, G>A on the plus strand (C>T on the coding strand, the complement: ANKRD26 is on the minus strand). VCF-style: chr10-27012931-G-A. GRCh37 (hg19) VCF-style: chr10-27301860-G-A.
Other names: c.4901C>T, p.Thr1634Ile (NM_001256053.2); short protein forms T1634I, T1635I.
Identifiers: ClinVar variation 3365129 (VCV003365129.1).